The following is an entry in ClinVar:

NM_001130823.3(DNMT1):c.844_845delinsTT (p.Ala282Phe)

Gene: DNMT1 (DNA methyltransferase 1; minus strand). Cytogenetic location: 19p13.2.
Variant type: Indel.
Coding change: c.844_845delinsTT on transcript NM_001130823.3 (MANE Select); coding-DNA positions 844 to 845, GC replaced by TT.
Protein change: p.Ala282Phe; replaces alanine 282 with phenylalanine.
Molecular consequence: missense variant.
Genome position (GRCh38, 1-based): chr19:10,166,644-10,166,645, GC replaced by AA on the plus strand (GC replaced by TT on the coding strand, the reverse complement: DNMT1 is on the minus strand). VCF-style: chr19-10166644-GC-AA. GRCh37 (hg19) VCF-style: chr19-10277320-GC-AA.
Other names: c.796_797delinsTT, p.Ala266Phe (NM_001318730.2, NM_001379.4); c.481_482delinsTT, p.Ala161Phe (NM_001318731.2); short protein forms A282F, A266F, A161F.
Identifiers: ClinVar variation 2892938 (VCV002892938.3), dbSNP rs2513855163, ClinGen allele CA2739276424.
Genomic context (GRCh38, chr19:10,166,644, plus strand): 5'-TAACCCGCCTTTACTTTCTCGTCTCCATCTTCGTCCTCGTCAGCCTGCACGCCTGCCCTG[GC>AA]TTCTCTGTCCGGCTCCTCCTTCAGTTTCTGTTTGGGTGTTCTGTCACAGAAGACAACACA-3'
Protein context (NP_001124295.1, residues 272-292): QKLKEEPDRE[Ala282Phe]RAGVQADEDE

ClinVar aggregate classification (germline): Uncertain significance (1 of 4 stars; one submission).

Conditions:
Hereditary sensory neuropathy-deafness-dementia syndrome. Also called: Hereditary sensory neuropathy type IE; Hereditary Sensory and Autonomic Neuropathy Type 1E (HSAN1E); HSN IE; NEUROPATHY, HEREDITARY SENSORY, WITH HEARING LOSS AND DEMENTIA. Identifiers: Orphanet 456318, MedGen C3279885, MONDO:0013584, OMIM 614116.

Submission:

Labcorp Genetics (formerly Invitae), Labcorp
Classification: Uncertain significance for Hereditary sensory neuropathy-deafness-dementia syndrome. Last evaluated: 2023-02-22. Review status: criteria provided, single submitter. Criteria: Invitae Variant Classification Sherloc (09022015). Collection method: clinical testing. Allele origin: germline.
Comment: This sequence change replaces alanine, which is neutral and non-polar, with phenylalanine, which is neutral and non-polar, at codon 282 of the DNMT1 protein (p.Ala282Phe). Information on the frequency of this variant in the gnomAD database is not available, as this variant may be reported differently in the database. This variant has not been reported in the literature in individuals affected with DNMT1-related conditions. An algorithm developed to predict the effect of missense changes on protein structure and function (PolyPhen-2) suggests that this variant is likely to be disruptive. In summary, the available evidence is currently insufficient to determine the role of this variant in disease. Therefore, it has been classified as a Variant of Uncertain Significance.